The following is an entry in ClinVar:

NM_000891.3(KCNJ2):c.763G>C (p.Asp255His)

Gene: KCNJ2 (potassium inwardly rectifying channel subfamily J member 2; plus strand). Cytogenetic location: 17q24.3.
Variant type: single nucleotide variant.
Coding change: c.763G>C on transcript NM_000891.3 (MANE Select); coding-DNA position 763, G replaced by C.
Protein change: p.Asp255His; replaces aspartic acid 255 with histidine.
Molecular consequence: missense variant.
Genome position (GRCh38, 1-based): chr17:70,175,802, G>C. VCF-style: chr17-70175802-G-C. GRCh37 (hg19) VCF-style: chr17-68171943-G-C.
Other names: short protein forms D255H.
Identifiers: ClinVar variation 1720557 (VCV001720557.5), dbSNP rs1488131137, ClinGen allele CA400861967.

ClinVar aggregate classification (germline): Uncertain significance (1 of 4 stars; one submission).

Conditions:
Andersen Tawil syndrome (LQT7). Also called: Andersen Syndrome; ANDERSEN CARDIODYSRHYTHMIC PERIODIC PARALYSIS; Potassium-sensitive periodic paralysis, ventricular ectopy, and dysmorphic features; LONG QT SYNDROME 7; PERIODIC PARALYSIS, POTASSIUM-SENSITIVE CARDIODYSRHYTHMIC TYPE. Identifiers: Orphanet 37553, MedGen C1563715, MONDO:0008222, OMIM 170390.
Short QT syndrome type 3. Identifiers: Orphanet 51083, MedGen C1865018, MONDO:0012314, OMIM 609622.

Submission:

Labcorp Genetics (formerly Invitae), Labcorp
Classification: Uncertain significance for Short QT syndrome type 3; Andersen Tawil syndrome. Last evaluated: 2022-09-28. Review status: criteria provided, single submitter. Criteria: Invitae Variant Classification Sherloc (09022015). Collection method: clinical testing. Allele origin: germline.
Comment: This variant has not been reported in the literature in individuals affected with KCNJ2-related conditions. In summary, the available evidence is currently insufficient to determine the role of this variant in disease. Therefore, it has been classified as a Variant of Uncertain Significance. Advanced modeling of protein sequence and biophysical properties (such as structural, functional, and spatial information, amino acid conservation, physicochemical variation, residue mobility, and thermodynamic stability) performed at Invitae indicates that this missense variant is expected to disrupt KCNJ2 protein function. This variant is not present in population databases (gnomAD no frequency). This sequence change replaces aspartic acid, which is acidic and polar, with histidine, which is basic and polar, at codon 255 of the KCNJ2 protein (p.Asp255His).